The following is an entry in ClinVar:

NM_014423.4(AFF4):c.1318T>A (p.Ser440Thr)

Gene: AFF4 (ALF transcription elongation factor 4; minus strand). Cytogenetic location: 5q31.1.
Variant type: single nucleotide variant.
Coding change: c.1318T>A on transcript NM_014423.4 (MANE Select); coding-DNA position 1318, T replaced by A.
Protein change: p.Ser440Thr; replaces serine 440 with threonine.
Molecular consequence: missense variant.
Genome position (GRCh38, 1-based): chr5:132,898,301, A>T on the plus strand (T>A on the coding strand, the complement: AFF4 is on the minus strand). VCF-style: chr5-132898301-A-T. GRCh37 (hg19) VCF-style: chr5-132233993-A-T.
Other names: short protein forms S440T.
Identifiers: ClinVar variation 983376 (VCV000983376.4), dbSNP rs1172881579, ClinGen allele CA360941479.

ClinVar aggregate classification (germline): Uncertain significance. Review status: criteria provided, multiple submitters, no conflicts (2 of 4 stars). 3 submissions from 3 submitters: Uncertain significance (2). 1 of the submissions does not count toward it. Last evaluated 2025-08-24.

Conditions:
AFF4-related disorder. Also called: AFF4-related condition.
Cognitive impairment - coarse facies - heart defects - obesity - pulmonary involvement - short stature - skeletal dysplasia syndrome. Also called: Chops syndrome; COGNITIVE IMPAIRMENT, COARSE FACIES, HEART DEFECTS, OBESITY, PULMONARY INVOLVEMENT, SHORT STATURE, AND SKELETAL DYSPLASIA; AFF4-Related CHOPS Syndrome. Identifiers: Orphanet 444077, MedGen C4085597, MONDO:0014609, OMIM 616368.
Inborn genetic diseases. Identifiers: MedGen C0950123, MeSH D030342.

Allele frequency attached by ClinVar (database versions not stated): gnomAD 0.00001; TOPMed 0.00001.
gnomAD v4.1: 2 of 1,614,062 alleles (0.00012%); highest among the groups gnomAD compares: African/African-American, 0.0027%; no homozygotes.

Submissions (3):

Ambry Genetics
Classification: Uncertain significance for Inborn genetic diseases. Last evaluated: 2025-08-24. Review status: criteria provided, single submitter. Criteria: Ambry Variant Classification Scheme 2023. Collection method: clinical testing. Allele origin: germline.

New York Genome Center
Classification: Uncertain significance for Cognitive impairment - coarse facies - heart defects - obesity - pulmonary involvement - short stature - skeletal dysplasia syndrome. Last evaluated: 2020-02-06. Review status: criteria provided, single submitter. Criteria: NYGC Assertion Criteria 2020. Collection method: clinical testing. Allele origin: inherited. Observed: 1 heterozygote. Study: CSER-NYCKidSeq.

PreventionGenetics, part of Exact Sciences
Classification: Uncertain significance for AFF4-related condition. Last evaluated: 2024-09-19. Review status: no assertion criteria provided. Collection method: clinical testing. Allele origin: germline. Not counted in ClinVar's aggregate classification.
Comment: The AFF4 c.1318T>A variant is predicted to result in the amino acid substitution p.Ser440Thr. To our knowledge, this variant has not been reported in the literature. This variant is reported in 0.011% of alleles in individuals of African descent in gnomAD. Although we suspect that this variant may be benign, at this time, the clinical significance of this variant is uncertain due to the absence of conclusive functional and genetic evidence.